The following is an entry in ClinVar:

NM_004385.5(VCAN):c.6553C>T (p.Pro2185Ser)

Genes: VCAN (versican; plus strand), VCAN-AS1 (VCAN antisense RNA 1; minus strand). Cytogenetic location: 5q14.3.
Variant type: single nucleotide variant.
Coding change: c.6553C>T on transcript NM_004385.5 (MANE Select); coding-DNA position 6553, C replaced by T.
Protein change: p.Pro2185Ser; replaces proline 2185 with serine.
Molecular consequence: missense variant. On other transcripts: intron variant (2).
Genome position (GRCh38, 1-based): chr5:83,539,556, C>T. VCF-style: chr5-83539556-C-T. GRCh37 (hg19) VCF-style: chr5-82835375-C-T.
Other names: c.3592C>T, p.Pro1198Ser (NM_001164097.2); c.4004-5981C>T (NM_001164098.2); c.1043-5981C>T (NM_001126336.3); short protein forms P1198S, P2185S.
Identifiers: ClinVar variation 1513521 (VCV001513521.6), dbSNP rs1746879685, ClinGen allele CA360312820.

ClinVar aggregate classification (germline): Uncertain significance (1 of 4 stars; one submission).

Allele frequency attached by ClinVar (database versions not stated): gnomAD exomes below 0.00001; gnomAD 0.00001.
gnomAD v4.1: 3 of 1,613,944 alleles (0.00019%); highest among the groups gnomAD compares: African/African-American, 0.0027%; no homozygotes.

Submission:

Labcorp Genetics (formerly Invitae), Labcorp
Classification: Uncertain significance. Last evaluated: 2026-01-26. Review status: criteria provided, single submitter. Criteria: Invitae Variant Classification Sherloc (09022015). Collection method: clinical testing. Allele origin: germline.
Comment: This sequence change replaces proline, which is neutral and non-polar, with serine, which is neutral and polar, at codon 2185 of the VCAN protein (p.Pro2185Ser). This variant is not present in population databases (gnomAD no frequency). This variant has not been reported in the literature in individuals affected with VCAN-related conditions. ClinVar contains an entry for this variant (Variation ID: 1513521). An algorithm developed to predict the effect of missense changes on protein structure and function (PolyPhen-2) suggests that this variant is likely to be tolerated. In summary, the available evidence is currently insufficient to determine the role of this variant in disease. Therefore, it has been classified as a Variant of Uncertain Significance.